The following is an entry in ClinVar:

ClinVar aggregate classification (germline): Uncertain significance (1 of 4 stars; one submission).

Submission:

GeneDx
Classification: Uncertain significance. Last evaluated: 2025-02-10. Review status: criteria provided, single submitter. Criteria: GeneDx Variant Classification Process June 2021. Collection method: clinical testing. Allele origin: germline. Affected: yes.
Comment: Not observed at significant frequency in large population cohorts (gnomAD); Has not been previously published as pathogenic or benign to our knowledge; Frameshift variant predicted to result in protein truncation or nonsense mediated decay in a gene for which loss-of-function is not an established mechanism of disease

NM_021096.4(CACNA1I):c.5379del (p.Tyr1794fs)

Gene: CACNA1I (calcium voltage-gated channel subunit alpha1 I; plus strand). Cytogenetic location: 22q13.1.
Variant type: Deletion.
Coding change: c.5379del on transcript NM_021096.4 (MANE Select); coding-DNA position 5379, one base deleted (C; older notation c.5379delC).
Protein change: p.Tyr1794fs; shifts the reading frame from tyrosine 1794.
Molecular consequence: frameshift variant.
Genome position (GRCh38, 1-based): chr22:39,679,430, C deleted. VCF-style (leftmost placement, unchanged base first): chr22-39679429-GC-G. GRCh37 (hg19) VCF-style: chr22-40075434-GC-G.
Other names: c.5274del, p.Tyr1759fs (NM_001003406.2); short protein forms Y1759fs, Y1794fs.
Identifiers: ClinVar variation 4074692 (VCV004074692.1).